The following is an entry in ClinVar:

ClinVar aggregate classification (germline): Uncertain significance. Review status: criteria provided, multiple submitters, no conflicts (2 of 4 stars). 2 submissions from 2 submitters: Uncertain significance (2). Last evaluated 2025-03-30.

Conditions:
Retinitis pigmentosa 20 (RP20). Identifiers: Orphanet 791, MedGen C3151086, MONDO:0013425, OMIM 613794.
Leber congenital amaurosis 2 (LCA2). Also called: AMAUROSIS CONGENITA OF LEBER II; Autosomal Recessive RPE65-Related Retinal Degeneration. Identifiers: Orphanet 65, MedGen C1859844, MONDO:0008765, OMIM 204100. Disease mechanism: loss of function.

Submissions (2):

Labcorp Genetics (formerly Invitae), Labcorp
Classification: Uncertain significance for Leber congenital amaurosis 2; Retinitis pigmentosa 20. Last evaluated: 2025-03-30. Review status: criteria provided, single submitter. Criteria: Invitae Variant Classification Sherloc (09022015). Collection method: clinical testing. Allele origin: germline.
Comment: This sequence change replaces serine, which is neutral and polar, with proline, which is neutral and non-polar, at codon 23 of the RPE65 protein (p.Ser23Pro). This variant is not present in population databases (gnomAD no frequency). This variant has not been reported in the literature in individuals affected with RPE65-related conditions. Invitae Evidence Modeling of protein sequence and biophysical properties (such as structural, functional, and spatial information, amino acid conservation, physicochemical variation, residue mobility, and thermodynamic stability) indicates that this missense variant is not expected to disrupt RPE65 protein function with a negative predictive value of 80%. In summary, the available evidence is currently insufficient to determine the role of this variant in disease. Therefore, it has been classified as a Variant of Uncertain Significance.

Blueprint Genetics
Classification: Uncertain significance. Last evaluated: 2023-11-07. Review status: criteria provided, single submitter. Criteria: ACMG Guidelines, 2015. Collection method: clinical testing. Allele origin: germline.

NM_000329.3(RPE65):c.67T>C (p.Ser23Pro)

Gene: RPE65 (retinoid isomerohydrolase RPE65; minus strand). Cytogenetic location: 1p31.3.
Variant type: single nucleotide variant.
Coding change: c.67T>C on transcript NM_000329.3 (MANE Select); coding-DNA position 67, T replaced by C.
Protein change: p.Ser23Pro; replaces serine 23 with proline.
Molecular consequence: missense variant. On other transcripts: 5 prime UTR variant (1), intron variant (1).
Genome position (GRCh38, 1-based): chr1:68,448,651, A>G on the plus strand (T>C on the coding strand, the complement: RPE65 is on the minus strand). VCF-style: chr1-68448651-A-G. GRCh37 (hg19) VCF-style: chr1-68914334-A-G.
Other names: c.67T>C, p.Ser23Pro (NM_001406853.1, NM_001406859.1, NM_001406860.1); c.-59T>C (NM_001406856.1); c.-183+1244T>C (NM_001406857.1); short protein forms S23P.
Identifiers: ClinVar variation 4791791 (VCV004791791.2).
Genomic context (GRCh38, chr1:68,448,651, plus strand): 5'-AAAGAGGATGGCTTCAAGATGGGCGAGACCAACCTGTTACATGAGCTGTGAGCGGCGAGG[A>G]CAGTTCCTCCACAGTTTCAAACAGTTTCTTGTAACCACCAGCAGGATGCTCAACCCTGAA-3'
Protein context (NP_000320.1, residues 13-33): KKLFETVEEL[Ser23Pro]SPLTAHVTGR